The following is an entry in ClinVar:

NM_001353345.2(SETD1B):c.4164G>C (p.Pro1388=)

Gene: SETD1B (SET domain containing 1B, histone lysine methyltransferase; plus strand). Cytogenetic location: 12q24.31.
Variant type: single nucleotide variant.
Coding change: c.4164G>C on transcript NM_001353345.2 (MANE Select); coding-DNA position 4164, G replaced by C.
Protein change: p.Pro1388=; no amino-acid change (proline 1388 retained).
Molecular consequence: synonymous variant.
Genome position (GRCh38, 1-based): chr12:121,822,743, G>C. VCF-style: chr12-121822743-G-C. GRCh37 (hg19) VCF-style: chr12-122260649-G-C.
Identifiers: ClinVar variation 1694686 (VCV001694686.31), dbSNP rs937085254, ClinGen allele CA482435176.

ClinVar aggregate classification (germline): Likely benign (1 of 4 stars; one submission).

gnomAD v4.1: 169 of 1,515,566 alleles (0.011%); highest among the groups gnomAD compares: Non-Finnish European, 0.015%; no homozygotes.

Submission:

CeGaT Center for Human Genetics Tuebingen
Classification: Likely benign. Last evaluated: 2022-06-01. Review status: criteria provided, single submitter. Criteria: CeGaT Center For Human Genetics Tuebingen Variant Classification Criteria Version 2. Collection method: clinical testing. Allele origin: germline. Affected: yes. Observed: 1 variant allele.
Comment: SETD1B: BP4, BP7